The following is an entry in ClinVar:

NM_014049.5(ACAD9):c.1664G>A (p.Arg555His)

Genes: ACAD9 (acyl-CoA dehydrogenase family member 9; plus strand), CFAP92 (cilia and flagella associated protein 92 (putative); minus strand). Cytogenetic location: 3q21.3.
Variant type: single nucleotide variant.
Coding change: c.1664G>A on transcript NM_014049.5 (MANE Select); coding-DNA position 1664, G replaced by A.
Protein change: p.Arg555His; replaces arginine 555 with histidine.
Molecular consequence: missense variant. On other transcripts: non-coding transcript variant (1), 3 prime UTR variant (3).
Genome position (GRCh38, 1-based): chr3:128,910,121, G>A. VCF-style: chr3-128910121-G-A. GRCh37 (hg19) VCF-style: chr3-128628964-G-A.
Other names: c.1295G>A, p.Arg432His (NM_001410805.1); c.*178C>T (NM_001348520.2, NM_001348521.2, NM_001394090.1); short protein forms R555H, R432H.
Identifiers: ClinVar variation 900092 (VCV000900092.13), dbSNP rs200134546, ClinGen allele CA2601639.

ClinVar aggregate classification (germline): Conflicting classifications of pathogenicity. Review status: criteria provided, conflicting classifications (1 of 4 stars). 3 submissions from 3 submitters: Uncertain significance (2); Likely benign (1). Last evaluated 2026-01-19.

Conditions:
Acyl-CoA dehydrogenase 9 deficiency. Also called: Acyl-CoA dehydrogenase family, member 9, deficiency of; MITOCHONDRIAL COMPLEX I DEFICIENCY, NUCLEAR TYPE 20. Identifiers: Orphanet 99901, MedGen C4747517, MONDO:0012624, OMIM 611126.

Allele frequency attached by ClinVar (database versions not stated): gnomAD 0.00005 and 0.00007; TOPMed 0.00007; ExAC 0.00014; gnomAD exomes 0.00019.
gnomAD v4.1: 76 of 1,614,012 alleles (0.0047%); highest among the groups gnomAD compares: Admixed American, 0.1%; no homozygotes.

Submissions (3):

Labcorp Genetics (formerly Invitae), Labcorp
Classification: Likely benign. Last evaluated: 2026-01-19. Review status: criteria provided, single submitter. Criteria: Invitae Variant Classification Sherloc (09022015). Collection method: clinical testing. Allele origin: germline.

GeneDx
Classification: Uncertain significance. Last evaluated: 2025-02-20. Review status: criteria provided, single submitter. Criteria: GeneDx Variant Classification Process June 2021. Collection method: clinical testing. Allele origin: germline. Affected: yes.
Comment: In silico analysis indicates that this missense variant does not alter protein structure/function; Has not been previously published as pathogenic or benign to our knowledge

Illumina Laboratory Services, Illumina
Classification: Uncertain significance for Acyl-CoA dehydrogenase 9 deficiency. Last evaluated: 2018-01-12. Review status: criteria provided, single submitter. Criteria: ICSL Variant Classification Criteria 13 December 2019. Collection method: clinical testing. Allele origin: germline.